The following is an entry in ClinVar:

ClinVar aggregate classification (germline): Uncertain significance (1 of 4 stars; one submission).

Submission:

Labcorp Genetics (formerly Invitae), Labcorp
Classification: Uncertain significance. Last evaluated: 2023-11-20. Review status: criteria provided, single submitter. Criteria: Invitae Variant Classification Sherloc (09022015). Collection method: clinical testing. Allele origin: unknown.
Comment: This variant results in a copy number gain of the genomic region encompassing exon(s) 4 of the MAPKAPK3 gene. This region includes the initiator codon of the gene. This copy number gain extends beyond the assayed region for this gene and therefore may encompass additional genes. As the precise location of this event is unknown, it may be in tandem or it may be located elsewhere in the genome. This variant has not been reported in the literature in individuals affected with MAPKAPK3-related conditions. In summary, the available evidence is currently insufficient to determine the role of this variant in disease. Therefore, it has been classified as a Variant of Uncertain Significance.

NC_000003.11:g.(?_50654997)_(50655235_?)dup

Gene: MAPKAPK3 (MAPK activated protein kinase 3; plus strand). Cytogenetic location: 3p21.2.
Variant type: Duplication.
Identifiers: ClinVar variation 3246970 (VCV003246970.1).